The following is an entry in ClinVar:

ClinVar aggregate classification (germline): Uncertain significance (1 of 4 stars; one submission).

Conditions:
Malignant hyperthermia, susceptibility to, 5 (MHS5). Also called: CACNA1S-Related Malignant Hyperthermia Susceptibility. Identifiers: Orphanet 423, MedGen C1866077, MONDO:0011163, OMIM 601887.

Submission:

Color Diagnostics, LLC DBA Color Health
Classification: Uncertain significance for Malignant hyperthermia, susceptibility to, 5. Last evaluated: 2025-06-23. Review status: criteria provided, single submitter. Criteria: ACMG Guidelines, 2015. Collection method: clinical testing. Allele origin: germline.
Comment: This missense variant replaces threonine with asparagine at codon 1653 of the CACNA1S protein. Computational prediction suggests that this variant may not impact protein structure and function. To our knowledge, functional studies have not been reported for this variant. This variant has not been reported in individuals affected with CACNA1S-related disorders in the literature. This variant has not been identified in the general population by the Genome Aggregation Database (gnomAD). The available evidence is insufficient to determine the role of this variant in disease conclusively. Therefore, this variant is classified as a Variant of Uncertain Significance.

NM_000069.3(CACNA1S):c.4958C>A (p.Thr1653Asn)

Gene: CACNA1S (calcium voltage-gated channel subunit alpha1 S; minus strand). Cytogenetic location: 1q32.1.
Variant type: single nucleotide variant.
Coding change: c.4958C>A on transcript NM_000069.3 (MANE Select); coding-DNA position 4958, C replaced by A.
Protein change: p.Thr1653Asn; replaces threonine 1653 with asparagine.
Molecular consequence: missense variant.
Genome position (GRCh38, 1-based): chr1:201,043,371, G>T on the plus strand (C>A on the coding strand, the complement: CACNA1S is on the minus strand). VCF-style: chr1-201043371-G-T. GRCh37 (hg19) VCF-style: chr1-201012499-G-T.
Other names: short protein forms T1653N.
Identifiers: ClinVar variation 4757141 (VCV004757141.1).